The following is an entry in ClinVar:

NM_002474.3(MYH11):c.5172-10C>T

Genes: NDE1 (nudE neurodevelopment protein 1; plus strand), MYH11 (myosin heavy chain 11; minus strand). Cytogenetic location: 16p13.11.
Variant type: single nucleotide variant.
Coding change: c.5172-10C>T on transcript NM_002474.3 (MANE Select); 10 bases into the intron before coding-DNA position 5172, C replaced by T.
Molecular consequence: intron variant.
Genome position (GRCh38, 1-based): chr16:15,718,448, G>A on the plus strand (C>T on the coding strand, the complement: MYH11 is on the minus strand). VCF-style: chr16-15718448-G-A. GRCh37 (hg19) VCF-style: chr16-15812305-G-A.
Other names: c.948-5743G>A (NM_001143979.2, NM_017668.3); c.5172-10C>T (NM_022844.3); c.5193-10C>T (NM_001040114.2, NM_001040113.2).
Identifiers: ClinVar variation 3387169 (VCV003387169.2).

ClinVar aggregate classification (germline): Likely benign. Review status: criteria provided, multiple submitters, no conflicts (2 of 4 stars). 2 submissions from 2 submitters: Likely benign (2). Last evaluated 2026-01-17.

Conditions:
Aortic aneurysm, familial thoracic 4 (AAT4). Also called: AORTIC ANEURYSM/AORTIC DISSECTION AND PATENT DUCTUS ARTERIOSUS. Identifiers: MedGen C1851504, MONDO:0007568, OMIM 132900.
Familial thoracic aortic aneurysm and aortic dissection (TAAD). Also called: Thoracic aortic aneurysms and dissections. Identifiers: Orphanet 91387, MedGen C4707243, MONDO:0019625.

gnomAD v4.1: 3 of 1,550,490 alleles (0.00019%); highest among the groups gnomAD compares: Admixed American, 0.0038%; no homozygotes.

Submissions (2):

Labcorp Genetics (formerly Invitae), Labcorp
Classification: Likely benign for Aortic aneurysm, familial thoracic 4. Last evaluated: 2026-01-17. Review status: criteria provided, single submitter. Criteria: Invitae Variant Classification Sherloc (09022015). Collection method: clinical testing. Allele origin: germline.

All of Us Research Program, National Institutes of Health
Classification: Likely benign for Familial thoracic aortic aneurysm and aortic dissection. Last evaluated: 2024-02-22. Review status: criteria provided, single submitter. Criteria: ACMG Guidelines, 2015. Collection method: clinical testing. Allele origin: germline. Inheritance: Autosomal dominant inheritance. Observed: 1 variant allele, 1 heterozygote.
Comment: This study involves interpretation of variants in research participants for the purpose of population health screening. Participant phenotype was not available at the time of variant classification. Additional details can be found in publication PMID: 35346344, PMCID: PMC8962531